The following is an entry in ClinVar:

ClinVar aggregate classification (germline): Likely benign (1 of 4 stars; one submission).

Conditions:
HELLS-related disorder. Also called: HELLS-related condition.

gnomAD v4.1: 2 of 1,611,698 alleles (0.00012%); highest among the groups gnomAD compares: East Asian, 0.0022%; no homozygotes.

Submission:

PreventionGenetics, part of Exact Sciences
Classification: Likely benign for HELLS-related condition. Last evaluated: 2025-02-18. Review status: criteria provided, single submitter. Criteria: ACMG Guidelines, 2015. Collection method: clinical testing. Allele origin: germline.
Comment: This variant is classified as likely benign based on ACMG/AMP sequence variant interpretation guidelines (Richards et al. 2015 PMID: 25741868, with internal and published modifications).

NM_018063.5(HELLS):c.790T>C (p.Leu264=)

Gene: HELLS (helicase, lymphoid specific; plus strand). Cytogenetic location: 10q23.33.
Variant type: single nucleotide variant.
Coding change: c.790T>C on transcript NM_018063.5 (MANE Select); coding-DNA position 790, T replaced by C.
Protein change: p.Leu264=; no amino-acid change (leucine 264 retained).
Molecular consequence: synonymous variant. On other transcripts: 5 prime UTR variant (2).
Genome position (GRCh38, 1-based): chr10:94,574,638, T>C. VCF-style: chr10-94574638-T-C. GRCh37 (hg19) VCF-style: chr10-96334395-T-C.
Other names: c.790T>C, p.Leu264= (NM_001289067.2, NM_001289069.2, NM_001289070.2 and 1 more transcripts); c.742T>C, p.Leu248= (NM_001289068.2); c.418T>C, p.Leu140= (NM_001289071.2); c.376T>C, p.Leu126= (NM_001289073.2); c.-213T>C (NM_001289074.2); c.-232T>C (NM_001289075.2).
Identifiers: ClinVar variation 4982651 (VCV004982651.1).